The following is an entry in ClinVar:

ClinVar aggregate classification (germline): Likely benign (1 of 4 stars; one submission).

Submission:

CeGaT Center for Human Genetics Tuebingen
Classification: Likely benign. Last evaluated: 2026-04-01. Review status: criteria provided, single submitter. Criteria: CeGaT Center For Human Genetics Tuebingen Variant Classification Criteria Version 2. Collection method: clinical testing. Allele origin: germline. Affected: yes. Observed: 1 variant allele.
Comment: GAD1: PM2:Supporting, BP4, BP7

NM_000817.3(GAD1):c.792C>G (p.Arg264=)

Gene: GAD1 (glutamate decarboxylase 1; plus strand). Cytogenetic location: 2q31.1.
Variant type: single nucleotide variant.
Coding change: c.792C>G on transcript NM_000817.3 (MANE Select); coding-DNA position 792, C replaced by G.
Protein change: p.Arg264=; no amino-acid change (arginine 264 retained).
Molecular consequence: synonymous variant.
Genome position (GRCh38, 1-based): chr2:170,845,546, C>G. VCF-style: chr2-170845546-C-G. GRCh37 (hg19) VCF-style: chr2-171702056-C-G.
Identifiers: ClinVar variation 4874505 (VCV004874505.2).